The following is an entry in ClinVar:

ClinVar aggregate classification (germline): Uncertain significance. Review status: criteria provided, multiple submitters, no conflicts (2 of 4 stars). 2 submissions from 2 submitters: Uncertain significance (2). Last evaluated 2026-05-11.

Conditions:
Imerslund-Grasbeck syndrome. Also called: ENTEROCYTE COBALAMIN MALABSORPTION; ENTEROCYTE INTRINSIC FACTOR RECEPTOR, DEFECT OF; PERNICIOUS ANEMIA, JUVENILE, DUE TO SELECTIVE INTESTINAL MALABSORPTION OF VITAMIN B12, WITH PROTEINURIA; Megaloblastic anemia due to inborn errors of metabolism; Imerslund-Gräsbeck syndrome. Identifiers: Orphanet 35858, MedGen C4551825, MONDO:0009853.
Proteinuria, chronic benign. Identifiers: MedGen C5394384, MONDO:0030042, OMIM 618884.

Allele frequency attached by ClinVar (database versions not stated): ExAC 0.00006; TOPMed 0.00005; ESP Exome Variant Server 0.00015; gnomAD 0.00007.
gnomAD v4.1: 203 of 1,613,848 alleles (0.013%); highest among the groups gnomAD compares: Non-Finnish European, 0.017%; no homozygotes.

Submissions (2):

Victorian Clinical Genetics Services, Murdoch Childrens Research Institute
Classification: Uncertain significance for Proteinuria, chronic benign. Last evaluated: 2026-05-11. Review status: criteria provided, single submitter. Criteria: ACMG Guidelines, 2015. Collection method: clinical testing. Allele origin: germline. Affected: yes.
Comment: This variant is classified as VUS-3A. Evidence in support of pathogenic classification: Variant is present in gnomAD <0.01 for a recessive condition (v4: 203 heterozygote(s), 0 homozygote(s)); Missense variant predicted to be damaging by in silico tool(s) or highly conserved with a major amino acid change. Additional information: Variant is predicted to result in a missense amino acid change from Gly to Val; This variant is heterozygous; This gene is associated with autosomal recessive disease; Alternative amino acid change(s) at the same position are present in gnomAD (highest allele count: v4: 24 heterozygote(s), 0 homozygote(s)); Previous evidence of pathogenicity for this variant is inconclusive. This variant has been reported in the literature as heterozygous in an individual with chronic proteinuria. This individual had a second variant in CUBN; no segregation information was provided (PMID: 31613795). This variant has also been classified as a VUS by clinical laboratory in ClinVar; No published evidence of segregation with disease has been identified for this variant; No published functional evidence has been identified for this variant; No comparable missense variants have previous evidence for pathogenicity; Variant is located in the annotated CUB domain (DECIPHER); Loss of function is a known mechanism of disease in this gene and is associated with proteinuria, chronic benign MIM#618884 and Imerslund-Grasbeck syndrome 1 MIM#261100. Variants downstream of the vitamin B12/IF-binding domain are associated with isolated proteinuria (PMID: 31613795); Inheritance information for this variant is not currently available in this individual.

Labcorp Genetics (formerly Invitae), Labcorp
Classification: Uncertain significance for Imerslund-Grasbeck syndrome. Last evaluated: 2022-04-26. Review status: criteria provided, single submitter. Criteria: Invitae Variant Classification Sherloc (09022015). Collection method: clinical testing. Allele origin: germline.
Comment: In summary, the available evidence is currently insufficient to determine the role of this variant in disease. Therefore, it has been classified as a Variant of Uncertain Significance. Algorithms developed to predict the effect of missense changes on protein structure and function are either unavailable or do not agree on the potential impact of this missense change (SIFT: "Deleterious"; PolyPhen-2: "Probably Damaging"; Align-GVGD: "Class C15"). This missense change has been observed in individual(s) with clinical features of Imerslund-GraÃàsbeck syndrome (PMID: 31613795). This variant is present in population databases (rs201513648, gnomAD 0.006%). This sequence change replaces glycine, which is neutral and non-polar, with valine, which is neutral and non-polar, at codon 1928 of the CUBN protein (p.Gly1928Val).

Literature cited by the submitters: PubMed 31613795 (cited by Victorian Clinical Genetics Services, Murdoch Childrens Research Institute and Labcorp Genetics (formerly Invitae), Labcorp).

NM_001081.4(CUBN):c.5783G>T (p.Gly1928Val)

Gene: CUBN (cubilin; minus strand). Cytogenetic location: 10p13.
Variant type: single nucleotide variant.
Coding change: c.5783G>T on transcript NM_001081.4 (MANE Select); coding-DNA position 5783, G replaced by T.
Protein change: p.Gly1928Val; replaces glycine 1928 with valine.
Molecular consequence: missense variant.
Genome position (GRCh38, 1-based): chr10:16,937,735, C>A on the plus strand (G>T on the coding strand, the complement: CUBN is on the minus strand). VCF-style: chr10-16937735-C-A. GRCh37 (hg19) VCF-style: chr10-16979734-C-A.
Other names: short protein forms G1928V.
Identifiers: ClinVar variation 2050700 (VCV002050700.4), dbSNP rs201513648, ClinGen allele CA5423909.